The following is an entry in ClinVar:

ClinVar aggregate classification (germline): Uncertain significance (1 of 4 stars; one submission).

Submission:

Dasa
Classification: Uncertain significance. Last evaluated: 2026-03-30. Review status: criteria provided, single submitter. Criteria: DASA Assertion Criteria. Collection method: clinical testing. Allele origin: germline.
Comment: NM_001172132.3(HCK):c.2+5G>T is a splice-region variant. This variant is rare in population databases. Computational prediction algorithms are consistent with a benign effect. The currently available literature and clinical evidence are not sufficient to establish a definitive association between this variant and the reported condition. Therefore, this variant is classified as a variant of uncertain significance.

NM_002110.5(HCK):c.62+1800G>T

Gene: HCK (HCK proto-oncogene, Src family tyrosine kinase; plus strand). Cytogenetic location: 20q11.21.
Variant type: single nucleotide variant.
Coding change: c.62+1800G>T on transcript NM_002110.5 (MANE Select); 1800 bases into the intron after coding-DNA position 62, G replaced by T.
Molecular consequence: intron variant.
Genome position (GRCh38, 1-based): chr20:32,054,286, G>T. VCF-style: chr20-32054286-G-T. GRCh37 (hg19) VCF-style: chr20-30642089-G-T.
Other names: c.2+5G>T (NM_001172132.3); c.-66+1800G>T (NM_001172133.3); c.-2+1800G>T (NM_001172129.3, NM_001172131.3); c.62+1800G>T (NM_001172130.3).
Identifiers: ClinVar variation 4886170 (VCV004886170.2).
Genomic context (GRCh38, chr20:32,054,286, plus strand): 5'-TGTCATGAGTTACAGTCCTTCCAGGATGTGCCTCTGAAAATGGATTGCATATAAATGTAC[G>T]CATAAACAACACGTAGGATTGTTTTGTGTGCTTTAAAAATGCTATCTATGCAGTGGTTCA-3'